The following is an entry in ClinVar:

NM_000245.4(MET):c.1200+8A>G

Gene: MET (MET proto-oncogene, receptor tyrosine kinase; plus strand). Cytogenetic location: 7q31.2.
Variant type: single nucleotide variant.
Coding change: c.1200+8A>G on transcript NM_000245.4 (MANE Select); 8 bases into the intron after coding-DNA position 1200, A replaced by G.
Molecular consequence: intron variant.
Genome position (GRCh38, 1-based): chr7:116,700,292, A>G. VCF-style: chr7-116700292-A-G. GRCh37 (hg19) VCF-style: chr7-116340346-A-G.
Other names: c.1200+8A>G (NM_001127500.3, NM_001324401.3); c.-91+27715A>G (NM_001324402.2).
Identifiers: ClinVar variation 246620 (VCV000246620.13), dbSNP rs879254331, ClinGen allele CA10584660.

ClinVar aggregate classification (germline): Likely benign. Review status: criteria provided, multiple submitters, no conflicts (2 of 4 stars). 3 submissions from 3 submitters: Likely benign (3). Last evaluated 2025-12-23.

Conditions:
Renal cell carcinoma. Identifiers: Orphanet 217071, MedGen C0007134, MeSH D002292, MONDO:0005086, HP:0005584.
Papillary renal cell carcinoma type 1 (RCCP1). Also called: Renal adenocarcinoma; Renal cell carcinoma 1; Renal cell carcinoma, somatic; RENAL CELL CARCINOMA, PAPILLARY, 1, SOMATIC. Identifiers: Orphanet 47044, MedGen C1336839, OMIM 605074, HP:0011797.

Allele frequency attached by ClinVar (database versions not stated): gnomAD 0.00001; gnomAD exomes 0.00002 and 0.00003.
gnomAD v4.1: 17 of 1,600,766 alleles (0.0011%); highest among the groups gnomAD compares: Non-Finnish European, 0.0014%; no homozygotes.

Submissions (3):

Labcorp Genetics (formerly Invitae), Labcorp
Classification: Likely benign for Renal cell carcinoma. Last evaluated: 2025-12-23. Review status: criteria provided, single submitter. Criteria: Invitae Variant Classification Sherloc (09022015). Collection method: clinical testing. Allele origin: germline.

Myriad Genetics, Inc.
Classification: Likely benign for Papillary renal cell carcinoma type 1. Last evaluated: 2024-11-07. Review status: criteria provided, single submitter. Criteria: Myriad Autosomal Dominant, Autosomal Recessive and X-Linked Classification Criteria (2023). Collection method: clinical testing. Allele origin: unknown.
Comment: This variant is considered likely benign. This variant is intronic and is not expected to impact mRNA splicing.

Blueprint Genetics
Classification: Likely benign. Last evaluated: 2024-08-29. Review status: criteria provided, single submitter. Criteria: ACMG Guidelines, 2015. Collection method: clinical testing. Allele origin: germline.